The following is an entry in ClinVar:

ClinVar aggregate classification (germline): Likely pathogenic (1 of 4 stars; one submission).

Conditions:
Duchenne muscular dystrophy (DMD). Also called: Duchenne Muscular Dystrophy (DMD); MUSCULAR DYSTROPHY, PSEUDOHYPERTROPHIC PROGRESSIVE, DUCHENNE TYPE. Identifiers: Orphanet 98896, MedGen C0013264, MONDO:0010679, OMIM 310200.

Submission:

3billion
Classification: Likely pathogenic for Duchenne muscular dystrophy. Last evaluated: 2025-10-01. Review status: criteria provided, single submitter. Criteria: ACMG Guidelines, 2015. Collection method: clinical testing. Allele origin: germline. Affected: yes.
Comment: The variant is not observed in the gnomAD v4.1.0 dataset. Predicted Consequence/Location: Stop-gained (nonsense): predicted to result in a loss or disruption of normal protein function through nonsense-mediated decay (NMD) or protein truncation. Multiple pathogenic variants are reported downstream of the variant. Therefore, this variant is classified as Likely pathogenic according to the recommendation of ACMG/AMP guideline.

NM_004006.3(DMD):c.5695A>T (p.Lys1899Ter)

Gene: DMD (dystrophin; minus strand). Cytogenetic location: Xp21.1.
Variant type: single nucleotide variant.
Coding change: c.5695A>T on transcript NM_004006.3 (MANE Select); coding-DNA position 5695, A replaced by T.
Protein change: p.Lys1899Ter; replaces lysine 1899 with a stop codon.
Molecular consequence: nonsense.
Genome position (GRCh38, 1-based): chrX:32,343,178, T>A on the plus strand (A>T on the coding strand, the complement: DMD is on the minus strand). VCF-style: chrX-32343178-T-A. GRCh37 (hg19) VCF-style: chrX-32361295-T-A.
Other names: c.5671A>T, p.Lys1891Ter (NM_000109.4); c.5683A>T, p.Lys1895Ter (NM_004009.3); c.5326A>T, p.Lys1776Ter (NM_004010.3); c.1672A>T, p.Lys558Ter (NM_004011.4); c.1663A>T, p.Lys555Ter (NM_004012.4); short protein forms K1776*, K1891*, K1895*, K1899*, K555*, K558*.
Identifiers: ClinVar variation 4855661 (VCV004855661.1).